The following is an entry in ClinVar:

NM_020458.4(TTC7A):c.806G>A (p.Arg269Gln)

Gene: TTC7A (tetratricopeptide repeat domain 7A; plus strand). Cytogenetic location: 2p21.
Variant type: single nucleotide variant.
Coding change: c.806G>A on transcript NM_020458.4 (MANE Select); coding-DNA position 806, G replaced by A.
Protein change: p.Arg269Gln; replaces arginine 269 with glutamine.
Molecular consequence: missense variant. On other transcripts: 5 prime UTR variant (1).
Genome position (GRCh38, 1-based): chr2:46,993,491, G>A. VCF-style: chr2-46993491-G-A. GRCh37 (hg19) VCF-style: chr2-47220630-G-A.
Other names: c.806G>A, p.Arg269Gln (NM_001288951.2); c.704G>A, p.Arg235Gln (NM_001288953.2); c.-99G>A (NM_001288955.2); c.806G>A (NM_020458.2); short protein forms R235Q, R269Q.
Identifiers: ClinVar variation 946617 (VCV000946617.12), dbSNP rs200332198, ClinGen allele CA1647365.

ClinVar aggregate classification (germline): Uncertain significance. Review status: criteria provided, multiple submitters, no conflicts (2 of 4 stars). 4 submissions from 4 submitters: Uncertain significance (2). 2 of the submissions do not count toward it. Last evaluated 2021-09-01.

Conditions:
Multiple gastrointestinal atresias. Also called: Multiple intestinal atresia; FAMILIAL INTESTINAL POLYATRESIA SYNDROME. Identifiers: Orphanet 2300, MedGen C0220744, MONDO:0009465.
Inborn genetic diseases. Identifiers: MedGen C0950123, MeSH D030342.

Allele frequency attached by ClinVar (database versions not stated): ExAC 0.00002; gnomAD exomes 0.00004; TOPMed 0.00007; gnomAD 0.00009; 1000 Genomes Project 30x 0.00016; 1000 Genomes Project 0.00020.
gnomAD v4.1: 71 of 1,614,132 alleles (0.0044%); highest among the groups gnomAD compares: East Asian, 0.02%; no homozygotes.

Submissions (4):

Ambry Genetics
Classification: Uncertain significance for Inborn genetic diseases. Last evaluated: 2021-09-01. Review status: criteria provided, single submitter. Criteria: Ambry Variant Classification Scheme 2023. Collection method: clinical testing. Allele origin: germline.

Labcorp Genetics (formerly Invitae), Labcorp
Classification: Uncertain significance for Multiple gastrointestinal atresias. Last evaluated: 2021-08-30. Review status: criteria provided, single submitter. Criteria: Invitae Variant Classification Sherloc (09022015). Collection method: clinical testing. Allele origin: germline.
Comment: This sequence change replaces arginine with glutamine at codon 269 of the TTC7A protein (p.Arg269Gln). The arginine residue is moderately conserved and there is a small physicochemical difference between arginine and glutamine. This variant is present in population databases (rs200332198, ExAC 0.02%). This variant has not been reported in the literature in individuals affected with TTC7A-related conditions. Algorithms developed to predict the effect of missense changes on protein structure and function are either unavailable or do not agree on the potential impact of this missense change (SIFT: "Tolerated"; PolyPhen-2: "Possibly Damaging"; Align-GVGD: "Class C0"). In summary, the available evidence is currently insufficient to determine the role of this variant in disease. Therefore, it has been classified as a Variant of Uncertain Significance.

Clinical Genetics DNA and cytogenetics Diagnostics Lab, Erasmus MC, Erasmus Medical Center
Classification: Uncertain significance. Review status: no assertion criteria provided. Collection method: clinical testing. Allele origin: germline. Affected: yes. Study: VKGL Data-share Consensus. Not counted in ClinVar's aggregate classification.

Diagnostic Laboratory, Department of Genetics, University Medical Center Groningen
Classification: Uncertain significance. Review status: no assertion criteria provided. Collection method: clinical testing. Allele origin: germline. Affected: yes. Study: VKGL Data-share Consensus. Not counted in ClinVar's aggregate classification.